The following is an entry in ClinVar:

ClinVar aggregate classification (germline): Uncertain significance (1 of 4 stars; one submission).

Conditions:
SCAPER-related disorder. Also called: SCAPER-related condition.

gnomAD v4.1: 4 of 1,610,648 alleles (0.00025%); highest among the groups gnomAD compares: East Asian, 0.0045%; no homozygotes.

Submission:

PreventionGenetics, part of Exact Sciences
Classification: Uncertain significance for SCAPER-related condition. Last evaluated: 2026-02-23. Review status: criteria provided, single submitter. Criteria: ACMG Guidelines, 2015. Collection method: clinical testing. Allele origin: germline.
Comment: The SCAPER c.1624C>T variant is predicted to result in the amino acid substitution p.Arg542Cys. To our knowledge, this variant has not been reported in the literature. This variant is reported in 0.011% of alleles in individuals of East Asian descent in gnomAD. At this time, the clinical significance of this variant is uncertain due to the absence of conclusive functional and genetic evidence.

NM_020843.4(SCAPER):c.1606C>T (p.Arg536Cys)

Gene: SCAPER (S-phase cyclin A associated protein in the ER; minus strand). Cytogenetic location: 15q24.3.
Variant type: single nucleotide variant.
Coding change: c.1606C>T on transcript NM_020843.4 (MANE Select); coding-DNA position 1606, C replaced by T.
Protein change: p.Arg536Cys; replaces arginine 536 with cysteine.
Molecular consequence: missense variant. On other transcripts: non-coding transcript variant (1).
Genome position (GRCh38, 1-based): chr15:76,765,344, G>A on the plus strand (C>T on the coding strand, the complement: SCAPER is on the minus strand). VCF-style: chr15-76765344-G-A. GRCh37 (hg19) VCF-style: chr15-77057685-G-A.
Other names: c.868C>T, p.Arg290Cys (NM_001145923.2); c.1624C>T, p.Arg542Cys (NM_001353009.2); c.1204C>T, p.Arg402Cys (NM_001353010.2, NM_001353012.2); c.1222C>T, p.Arg408Cys (NM_001353011.2); short protein forms R408C, R542C, R402C, R536C, R290C.
Identifiers: ClinVar variation 4989939 (VCV004989939.1).